The following is an entry in ClinVar:

ClinVar aggregate classification (germline): Uncertain significance (1 of 4 stars; one submission).

Conditions:
Hereditary cancer-predisposing syndrome. Also called: Neoplastic Syndromes, Hereditary; Tumor predisposition; Hereditary Cancer Syndrome; Hereditary neoplastic syndrome. Identifiers: Orphanet 140162, MedGen C0027672, MeSH D009386, MONDO:0015356.

Submission:

Ambry Genetics
Classification: Uncertain significance for Hereditary cancer-predisposing syndrome. Last evaluated: 2018-05-11. Review status: criteria provided, single submitter. Criteria: Ambry Variant Classification Scheme 2023. Collection method: clinical testing. Allele origin: germline.
Comment: The p.P338T variant (also known as c.1012C>A), located in coding exon 10 of the PMS2 gene, results from a C to A substitution at nucleotide position 1012. The proline at codon 338 is replaced by threonine, an amino acid with highly similar properties. This amino acid position is highly conserved in available vertebrate species. In addition, this alteration is predicted to be deleterious by in silico analysis. Since supporting evidence is limited at this time, the clinical significance of this alteration remains unclear.

NM_000535.7(PMS2):c.1012C>A (p.Pro338Thr)

Gene: PMS2 (PMS1 homolog 2, mismatch repair system component; minus strand). Cytogenetic location: 7p22.1.
Variant type: single nucleotide variant.
Coding change: c.1012C>A on transcript NM_000535.7 (MANE Select); coding-DNA position 1012, C replaced by A.
Protein change: p.Pro338Thr; replaces proline 338 with threonine.
Molecular consequence: missense variant. On other transcripts: non-coding transcript variant (1), intron variant (2).
Genome position (GRCh38, 1-based): chr7:5,989,932, G>T on the plus strand (C>A on the coding strand, the complement: PMS2 is on the minus strand). VCF-style: chr7-5989932-G-T. GRCh37 (hg19) VCF-style: chr7-6029563-G-T.
Other names: c.694C>A, p.Pro232Thr (NM_001322008.2, NM_001322007.2, NM_001406876.1 and 2 more transcripts); c.607C>A, p.Pro203Thr (NM_001018040.1, NM_001322009.2, NM_001322003.2 and 17 more transcripts); c.79C>A, p.Pro27Thr (NM_001322011.2, NM_001322012.2); c.439C>A, p.Pro147Thr (NM_001322013.2, NM_001406909.1); c.1012C>A, p.Pro338Thr (NM_001322014.2, NM_001406871.1, NM_001406872.1); c.703C>A, p.Pro235Thr (NM_001322015.2, NM_001406875.1, NM_001406877.1 and 5 more transcripts); c.1198C>A, p.Pro400Thr (NM_001406866.1); c.1036C>A, p.Pro346Thr (NM_001406868.1); and 9 more; short protein forms P147T, P302T, P203T, P232T, P346T, P167T, P216T, P226T.
Identifiers: ClinVar variation 1733420 (VCV001733420.2), dbSNP rs876660508, ClinGen allele CA366742993.